The following is an entry in ClinVar:

ClinVar aggregate classification (germline): Uncertain significance. Review status: criteria provided, multiple submitters, no conflicts (2 of 4 stars). 2 submissions from 2 submitters: Uncertain significance (2). Last evaluated 2025-08-19.

Submissions (2):

Labcorp Genetics (formerly Invitae), Labcorp
Classification: Uncertain significance. Last evaluated: 2025-08-19. Review status: criteria provided, single submitter. Criteria: Invitae Variant Classification Sherloc (09022015). Collection method: clinical testing. Allele origin: germline.
Comment: This sequence change replaces glycine, which is neutral and non-polar, with arginine, which is basic and polar, at codon 713 of the HK1 protein (p.Gly713Arg). This variant is not present in population databases (gnomAD no frequency). This variant has not been reported in the literature in individuals affected with HK1-related conditions. ClinVar contains an entry for this variant (Variation ID: 3900120). Invitae Evidence Modeling of protein sequence and biophysical properties (such as structural, functional, and spatial information, amino acid conservation, physicochemical variation, residue mobility, and thermodynamic stability) indicates that this missense variant is not expected to disrupt HK1 protein function with a negative predictive value of 80%. In summary, the available evidence is currently insufficient to determine the role of this variant in disease. Therefore, it has been classified as a Variant of Uncertain Significance.

GeneDx
Classification: Uncertain significance. Last evaluated: 2024-11-22. Review status: criteria provided, single submitter. Criteria: GeneDx Variant Classification Process June 2021. Collection method: clinical testing. Allele origin: germline. Affected: yes.
Comment: Not observed at significant frequency in large population cohorts (gnomAD); In silico analysis supports that this missense variant has a deleterious effect on protein structure/function; Has not been previously published as pathogenic or benign to our knowledge

NM_000188.3(HK1):c.2137G>A (p.Gly713Arg)

Gene: HK1 (hexokinase 1; plus strand). Cytogenetic location: 10q22.1.
Variant type: single nucleotide variant.
Coding change: c.2137G>A on transcript NM_000188.3 (MANE Select); coding-DNA position 2137, G replaced by A.
Protein change: p.Gly713Arg; replaces glycine 713 with arginine.
Molecular consequence: missense variant.
Genome position (GRCh38, 1-based): chr10:69,392,226, G>A. VCF-style: chr10-69392226-G-A. GRCh37 (hg19) VCF-style: chr10-71151982-G-A.
Other names: c.2149G>A, p.Gly717Arg (NM_001322364.2, NM_001358263.1, NM_033497.3 and 1 more transcripts); c.2242G>A, p.Gly748Arg (NM_001322365.2); c.2053G>A, p.Gly685Arg (NM_001322366.1); c.2041G>A, p.Gly681Arg (NM_001322367.1); c.2134G>A, p.Gly712Arg (NM_033496.3); c.2101G>A, p.Gly701Arg (NM_033500.2); short protein forms G681R, G685R, G701R, G712R, G713R, G717R, G748R.
Identifiers: ClinVar variation 3900120 (VCV003900120.2).